The following is an entry in ClinVar:

NM_000091.5(COL4A3):c.1184G>A (p.Gly395Glu)

Genes: COL4A3 (collagen type IV alpha 3 chain; plus strand), MFF-DT (MFF divergent transcript; minus strand). Cytogenetic location: 2q36.3.
Variant type: single nucleotide variant.
Coding change: c.1184G>A on transcript NM_000091.5 (MANE Select); coding-DNA position 1184, G replaced by A.
Protein change: p.Gly395Glu; replaces glycine 395 with glutamic acid.
Molecular consequence: missense variant.
Genome position (GRCh38, 1-based): chr2:227,263,813, G>A. VCF-style: chr2-227263813-G-A. GRCh37 (hg19) VCF-style: chr2-228128529-G-A.
Other names: short protein forms G395E.
Identifiers: ClinVar variation 430020 (VCV000430020.19), dbSNP rs1131691738, ClinGen allele CA350868740.
Genomic context (GRCh38, chr2:227,263,813, plus strand): 5'-ATACAAGAAATGATTATTTTCTCCAAGGATCATCAAGGCCTGGCCTCAGAGGAGCCCCTG[G>A]ATGGCCAGGCCTGAAAGGAAGTAAAGGGGAACGAGGCCGCCCAGGAAAGGATGCCATGGG-3'
Protein context (NP_000082.2, residues 385-405): SSRPGLRGAP[Gly395Glu]WPGLKGSKGE

ClinVar aggregate classification (germline): Pathogenic/Likely pathogenic. Review status: criteria provided, multiple submitters, no conflicts (2 of 4 stars). 6 submissions from 6 submitters: Pathogenic (4); Likely pathogenic (1). 1 of the submissions does not count toward it. Last evaluated 2026-08-10.

Conditions:
Autosomal dominant Alport syndrome (ATS3A). Also called: ALPORT SYNDROME 3A, AUTOSOMAL DOMINANT; Alport syndrome dominant type; Renal failure and sensorineural hearing loss. Identifiers: Orphanet 63, Orphanet 88918, MedGen C5882663, MONDO:0007086, OMIM 104200.
Hematuria, benign familial, 2 (BFH2). Identifiers: MedGen C5830421, MONDO:0958186, OMIM 620320.
Alport syndrome 3b, autosomal recessive. Identifiers: MedGen C5882699, MONDO:0957811, OMIM 620536.
Alport syndrome. Also called: Hemorrhagic familial nephritis; Hemorrhagic hereditary nephritis; Congenital hereditary hematuria. Identifiers: Orphanet 63, MedGen C1567741, MONDO:0018965.

Allele frequency attached by ClinVar (database versions not stated): gnomAD exomes 0.00002.
gnomAD v4.1: 28 of 1,614,076 alleles (0.0017%); highest among the groups gnomAD compares: Non-Finnish European, 0.0023%; no homozygotes.

Submissions (6):

GeneDx
Classification: Pathogenic. Last evaluated: 2026-08-10. Review status: criteria provided, single submitter. Criteria: GeneDx Variant Classification Process June 2021. Collection method: clinical testing. Allele origin: germline.
Comment: Affects a glycine residue in a Gly-X-Y motif in the triple helical region of the COL4A3 gene, where the majority of pathogenic missense variants occur, and is predicted to disrupt normal protein folding and function (HGMD; PMID: 10752524); Not observed at significant frequency in large population cohorts (gnomAD); In silico analysis supports that this missense variant has a deleterious effect on protein structure/function; This variant is associated with the following publications: (PMID: 10752524, 35325889, 24944784, 38719349, 41847665)

Victorian Clinical Genetics Services, Murdoch Childrens Research Institute
Classification: Pathogenic for Alport syndrome. Last evaluated: 2025-07-11. Review status: criteria provided, single submitter. Criteria: ACMG Guidelines, 2015. Collection method: clinical testing. Allele origin: germline. Affected: yes.
Comment: This variant is classified as Pathogenic. Evidence in support of pathogenic classification: Variant is absent from gnomAD (both v2 and v3); This variant has strong previous evidence of pathogenicity in unrelated individuals. This variant has been reported as pathogenic in ClinVar and LOVD. It has also been reported in individuals with autosomal dominant thin basement membrane nephropathy (PMID: 24944784, 30506145); This variant has limited evidence for segregation with disease. This variant has been shown to segregate in a family with thin basement membrane nephropathy with four affected individuals (PMID: 24944784); Another missense variant comparable to the one identified in this case has limited previous evidence for pathogenicity. An alternative change to an arginine has been reported once as likely pathogenic and once as VUS in ClinVar; Variant is located in the well-established functional Gly-X-Y motif in the collagen triple helical domain (DECIPHER); Missense variant consistently predicted to be damaging by multiple in silico tools or highly conserved with a major amino acid change. Additional information: Variant is predicted to result in a missense amino acid change from glycine to glutamic acid; This variant is heterozygous; This gene is associated with both recessive and dominant Alport syndrome (MONDO:0018965), COL4A3-related; No published functional evidence has been identified for this variant; Dominant negative and loss of function are known mechanisms of disease in this gene and are associated with Alport syndrome (MONDO:0018965), COL4A3-related. Glycine changes that are part of a G-X-Y repeat in the triple helix of a collagen domain are known to have a dominant negative effect (PMID: 12028435); Inheritance information for this variant is not currently available in this individual.

Natera, Inc.
Classification: Likely pathogenic for Alport syndrome. Last evaluated: 2025-06-20. Review status: criteria provided, single submitter. Criteria: Natera Variant Classification Schema (03/2026). Collection method: clinical testing. Allele origin: germline.
Comment: The c.1184G>A variant in COL4A3 is a missense variant predicted to cause substitution of glycine to glutamic acid at amino acid 395. This variant is rare in the general population with a frequency below the threshold expected for the associated phenotype(s). This variant has been observed in affected individual(s) with monoallelic occurrence (heterozygous/hemizygous) (PMID: 24944784, 30506145). This variant has been observed to segregate in affected family members (PMID: 24944784, 30506145). This variant is located in a functionally critical region of the protein. Computational prediction algorithms indicate this variant is likely to affect gene or protein function. Given the available evidence, this variant is classified as Likely Pathogenic.

Fulgent Genetics
Classification: Pathogenic for Autosomal dominant Alport syndrome; Hematuria, benign familial, 2; Alport syndrome 3b, autosomal recessive. Last evaluated: 2024-04-25. Review status: criteria provided, single submitter. Criteria: ACMG Guidelines, 2015. Collection method: clinical testing. Allele origin: germline.

Labcorp Genetics (formerly Invitae), Labcorp
Classification: Pathogenic. Last evaluated: 2023-08-18. Review status: criteria provided, single submitter. Criteria: Invitae Variant Classification Sherloc (09022015). Collection method: clinical testing. Allele origin: germline.
Comment: For these reasons, this variant has been classified as Pathogenic. Advanced modeling of protein sequence and biophysical properties (such as structural, functional, and spatial information, amino acid conservation, physicochemical variation, residue mobility, and thermodynamic stability) has been performed at Invitae for this missense variant, however the output from this modeling did not meet the statistical confidence thresholds required to predict the impact of this variant on COL4A3 protein function. ClinVar contains an entry for this variant (Variation ID: 430020). This missense change has been observed in individuals with autosomal dominant Alport syndrome (PMID: 24944784; Invitae; external communication). It has also been observed to segregate with disease in related individuals. This variant is not present in population databases (gnomAD no frequency). This sequence change replaces glycine, which is neutral and non-polar, with glutamic acid, which is acidic and polar, at codon 395 of the COL4A3 protein (p.Gly395Glu).

Sydney Genome Diagnostics, Children's Hospital Westmead
Classification: Pathogenic for Alport syndrome. Last evaluated: 2018-08-28. Review status: no assertion criteria provided. Collection method: clinical testing. Allele origin: unknown. Affected: yes. Observed: 1 variant allele, 1 compound heterozygote. Not counted in ClinVar's aggregate classification.
Comment: This variant results in substitution of one of the invariant glycine residues in the triple helical domain of the alpha 3 chain of type IV collagen. This variant is considered to be pathogenic. This variant has been previously reported in the heterozygote state in a family with autosomal dominant thin basement membrane nephropathy (TBMN) (Adam et al 2014 Clin Kidney J 7:197-200).

Literature cited by the submitters: PubMed 24944784 (cited by 3 submitters); PubMed 12028435 (cited by Victorian Clinical Genetics Services, Murdoch Childrens Research Institute); PubMed 30506145 (cited by Victorian Clinical Genetics Services, Murdoch Childrens Research Institute and Natera, Inc.).